The following is an entry in ClinVar:

NM_003482.4(KMT2D):c.2438C>G (p.Pro813Arg)

Gene: KMT2D (lysine methyltransferase 2D; minus strand). Cytogenetic location: 12q13.12.
Variant type: single nucleotide variant.
Coding change: c.2438C>G on transcript NM_003482.4 (MANE Select); coding-DNA position 2438, C replaced by G.
Protein change: p.Pro813Arg; replaces proline 813 with arginine.
Molecular consequence: missense variant.
Genome position (GRCh38, 1-based): chr12:49,051,245, G>C on the plus strand (C>G on the coding strand, the complement: KMT2D is on the minus strand). VCF-style: chr12-49051245-G-C. GRCh37 (hg19) VCF-style: chr12-49445028-G-C.
Other names: short protein forms P813R.
Identifiers: ClinVar variation 1719241 (VCV001719241.5), dbSNP rs75226229, ClinGen allele CA384665801.

ClinVar aggregate classification (germline): Uncertain significance (1 of 4 stars; one submission).

Conditions:
Kabuki syndrome. Also called: NIIKAWA-KUROKI SYNDROME; Kabuki make-up syndrome. Identifiers: Orphanet 2322, MedGen C0796004, MONDO:0016512.

Submission:

Labcorp Genetics (formerly Invitae), Labcorp
Classification: Uncertain significance for Kabuki syndrome. Last evaluated: 2025-08-29. Review status: criteria provided, single submitter. Criteria: Invitae Variant Classification Sherloc (09022015). Collection method: clinical testing. Allele origin: germline.
Comment: This sequence change replaces proline, which is neutral and non-polar, with arginine, which is basic and polar, at codon 813 of the KMT2D protein (p.Pro813Arg). This variant is not present in population databases (gnomAD no frequency). This variant has not been reported in the literature in individuals affected with KMT2D-related conditions. ClinVar contains an entry for this variant (Variation ID: 1719241). Invitae Evidence Modeling of protein sequence and biophysical properties (such as structural, functional, and spatial information, amino acid conservation, physicochemical variation, residue mobility, and thermodynamic stability) indicates that this missense variant is not expected to disrupt KMT2D protein function with a negative predictive value of 95%. In summary, the available evidence is currently insufficient to determine the role of this variant in disease. Therefore, it has been classified as a Variant of Uncertain Significance.